The following is an entry in ClinVar:

NM_003052.5(SLC34A1):c.741C>A (p.Ile247=)

Gene: SLC34A1 (solute carrier family 34 member 1; plus strand). Cytogenetic location: 5q35.3.
Variant type: single nucleotide variant.
Coding change: c.741C>A on transcript NM_003052.5 (MANE Select); coding-DNA position 741, C replaced by A.
Protein change: p.Ile247=; no amino-acid change (isoleucine 247 retained).
Molecular consequence: synonymous variant.
Genome position (GRCh38, 1-based): chr5:177,388,090, C>A. VCF-style: chr5-177388090-C-A. GRCh37 (hg19) VCF-style: chr5-176815091-C-A.
Other names: c.741C>A, p.Ile247= (NM_001167579.2).
Identifiers: ClinVar variation 352964 (VCV000352964.15), dbSNP rs374121143, ClinGen allele CA3580509.

ClinVar aggregate classification (germline): Benign/Likely benign. Review status: criteria provided, multiple submitters, no conflicts (2 of 4 stars). 4 submissions from 4 submitters: Benign (1); Likely benign (3). Last evaluated 2025-08-07.

Conditions:
Fanconi renotubular syndrome 2 (FRTS2). Identifiers: MedGen C3150652, MONDO:0013247, OMIM 613388.
Hypercalcemia, infantile, 2 (HCINF2). Identifiers: Orphanet 300547, MedGen C4310473, MONDO:0014851, OMIM 616963.
Hypophosphatemic nephrolithiasis/osteoporosis 1. Identifiers: Orphanet 244305, MedGen C2676786, MONDO:0012850, OMIM 612286.

Allele frequency attached by ClinVar (database versions not stated): gnomAD 0.00013; ESP Exome Variant Server 0.00015; ExAC 0.00021; TOPMed 0.00026; gnomAD exomes 0.00028.

Submissions (4):

Labcorp Genetics (formerly Invitae), Labcorp
Classification: Likely benign. Last evaluated: 2025-08-07. Review status: criteria provided, single submitter. Criteria: Invitae Variant Classification Sherloc (09022015). Collection method: clinical testing. Allele origin: germline.

Blueprint Genetics
Classification: Likely benign. Last evaluated: 2024-09-13. Review status: criteria provided, single submitter. Criteria: ACMG Guidelines, 2015. Collection method: clinical testing. Allele origin: germline.

Fulgent Genetics
Classification: Likely benign for Hypophosphatemic nephrolithiasis/osteoporosis 1; Fanconi renotubular syndrome 2; Hypercalcemia, infantile, 2. Last evaluated: 2021-12-08. Review status: criteria provided, single submitter. Criteria: ACMG Guidelines, 2015. Collection method: clinical testing. Allele origin: unknown.

Illumina Laboratory Services, Illumina
Classification: Benign for Hypophosphatemic nephrolithiasis/osteoporosis 1. Last evaluated: 2018-01-12. Review status: criteria provided, single submitter. Criteria: ICSL Variant Classification Criteria 13 December 2019. Collection method: clinical testing. Allele origin: germline.
Comment: This variant was observed in the ICSL laboratory as part of a predisposition screen in an ostensibly healthy population. It had not been previously curated by ICSL or reported in the Human Gene Mutation Database (HGMD: prior to June 1st, 2018), and was therefore a candidate for classification through an automated scoring system. Utilizing variant allele frequency, disease prevalence and penetrance estimates, and inheritance mode, an automated score was calculated to assess if this variant is too frequent to cause the disease. Based on the score and internal cut-off values, a variant classified as benign is not then subjected to further curation. The score for this variant resulted in a classification of benign for this disease.